The following is an entry in ClinVar:

ClinVar aggregate classification (germline): Likely benign. Review status: criteria provided, multiple submitters, no conflicts (2 of 4 stars). 2 submissions from 2 submitters: Likely benign (2). Last evaluated 2025-11-02.

Conditions:
Developmental and epileptic encephalopathy, 1 (DEE1). Also called: X-linked infantile spasms; West's syndrome; Tonic spasms with clustering, arrest of psychomotor development and hypsarrhythmia on EEG; X-Linked Infantile Spasm Syndrome; OHTAHARA SYNDROME, X-LINKED; Epileptic encephalopathy, early infantile, 1. Identifiers: MedGen C3463992, MONDO:0010632, OMIM 308350. Disease mechanism: loss of function.
Autosomal dominant nonsyndromic hearing loss 65. Also called: Deafness, autosomal dominant 65; TBC1D24-Related Autosomal Dominant Nonsyndromic Hearing Loss (DFNA). Identifiers: Orphanet 90635, MedGen C3892048, MONDO:0014470, OMIM 616044.

Allele frequency attached by ClinVar (database versions not stated): gnomAD exomes 0.00002.
gnomAD v4.1: 23 of 1,613,716 alleles (0.0014%); highest among the groups gnomAD compares: East Asian, 0.051%; no homozygotes.

Submissions (2):

Labcorp Genetics (formerly Invitae), Labcorp
Classification: Likely benign for Developmental and epileptic encephalopathy, 1; Autosomal dominant nonsyndromic hearing loss 65. Last evaluated: 2025-11-02. Review status: criteria provided, single submitter. Criteria: Invitae Variant Classification Sherloc (09022015). Collection method: clinical testing. Allele origin: germline.

GeneDx
Classification: Likely benign. Last evaluated: 2017-04-12. Review status: criteria provided, single submitter. Criteria: GeneDx Variant Classification (06012015). Collection method: clinical testing. Allele origin: germline. Affected: yes.
Comment: This variant is considered likely benign or benign based on one or more of the following criteria: it is a conservative change, it occurs at a poorly conserved position in the protein, it is predicted to be benign by multiple in silico algorithms, and/or has population frequency not consistent with disease.

NM_001199107.2(TBC1D24):c.570C>T (p.Tyr190=)

Gene: TBC1D24 (TBC1 domain family member 24; plus strand). Cytogenetic location: 16p13.3.
Variant type: single nucleotide variant.
Coding change: c.570C>T on transcript NM_001199107.2 (MANE Select); coding-DNA position 570, C replaced by T.
Protein change: p.Tyr190=; no amino-acid change (tyrosine 190 retained).
Molecular consequence: synonymous variant.
Genome position (GRCh38, 1-based): chr16:2,496,718, C>T. VCF-style: chr16-2496718-C-T. GRCh37 (hg19) VCF-style: chr16-2546719-C-T.
Other names: c.570C>T, p.Tyr190= (NM_020705.3).
Identifiers: ClinVar variation 508811 (VCV000508811.2), dbSNP rs917806963, ClinGen allele CA276809628.